The following is an entry in ClinVar:

NM_002519.3(NPAT):c.3259A>G (p.Asn1087Asp)

Gene: NPAT (nuclear protein, coactivator of histone transcription; minus strand). Cytogenetic location: 11q22.3.
Variant type: single nucleotide variant.
Coding change: c.3259A>G on transcript NM_002519.3 (MANE Select); coding-DNA position 3259, A replaced by G.
Protein change: p.Asn1087Asp; replaces asparagine 1087 with aspartic acid.
Molecular consequence: missense variant.
Genome position (GRCh38, 1-based): chr11:108,161,827, T>C on the plus strand (A>G on the coding strand, the complement: NPAT is on the minus strand). VCF-style: chr11-108161827-T-C. GRCh37 (hg19) VCF-style: chr11-108032554-T-C.
Other names: c.3280A>G, p.Asn1094Asp (NM_001321307.1); short protein forms N1087D, N1094D.
Identifiers: ClinVar variation 1729495 (VCV001729495.2), dbSNP rs1254044603, ClinGen allele CA382511200.
Genomic context (GRCh38, chr11:108,161,827, plus strand): 5'-AGGTGGAGGACACATTGGGTGAGTCAAGATTAGGAAAAGAGACTGCATTCCTTTCTTTGT[T>C]TTGGGACACCATCTTATGGTTTGGCCCCTGCGTATTTGCCACAGGAGCAGTAGTGCTGTC-3'
Protein context (NP_002510.2, residues 1077-1097): QGPNHKMVSQ[Asn1087Asp]KERNAVSFPN

ClinVar aggregate classification (germline): Uncertain significance (1 of 4 stars; one submission).

Allele frequency attached by ClinVar (database versions not stated): gnomAD exomes below 0.00001.
gnomAD v4.1: 2 of 1,614,168 alleles (0.00012%); highest among the groups gnomAD compares: Non-Finnish European, 0.00017%; no homozygotes.

Submission:

Ambry Genetics
Classification: Uncertain significance. Last evaluated: 2022-09-17. Review status: criteria provided, single submitter. Criteria: Ambry Variant Classification Scheme 2023. Collection method: clinical testing. Allele origin: germline.
Comment: The p.N1087D variant (also known as c.3259A>G), located in coding exon 17 of the NPAT gene, results from an A to G substitution at nucleotide position 3259. The asparagine at codon 1087 is replaced by aspartic acid, an amino acid with highly similar properties. This amino acid position is conserved. In addition, this alteration is predicted to be tolerated by in silico analysis. Since supporting evidence is limited at this time, the clinical significance of this alteration remains unclear.